The following is an entry in ClinVar:

NM_199420.4(POLQ):c.2603A>G (p.Lys868Arg)

Gene: POLQ (DNA polymerase theta; minus strand). Cytogenetic location: 3q13.33.
Variant type: single nucleotide variant.
Coding change: c.2603A>G on transcript NM_199420.4 (MANE Select); coding-DNA position 2603, A replaced by G.
Protein change: p.Lys868Arg; replaces lysine 868 with arginine.
Molecular consequence: missense variant.
Genome position (GRCh38, 1-based): chr3:121,490,328, T>C on the plus strand (A>G on the coding strand, the complement: POLQ is on the minus strand). VCF-style: chr3-121490328-T-C. GRCh37 (hg19) VCF-style: chr3-121209175-T-C.
Other names: short protein forms K868R.
Identifiers: ClinVar variation 3422380 (VCV003422380.1).
Genomic context (GRCh38, chr3:121,490,328, plus strand): 5'-TGCAGAATCATTCTGGCTTCTTCCACTATAAGGGCTGCTGCTTCCCTTTCAGTTAAACCT[T>C]TTCTGCCAGTCACCCAGATAGTTCGCATATTGCGACGTTCTTCAACTGCTTCCTCTTCCT-3'
Protein context (NP_955452.3, residues 858-878): NMRTIWVTGR[Lys868Arg]GLTEREAAAL

ClinVar aggregate classification (germline): Uncertain significance (1 of 4 stars; one submission).

gnomAD v4.1: 1 of 1,614,236 alleles (0.000062%); no homozygotes.

Submission:

Ambry Genetics
Classification: Uncertain significance. Last evaluated: 2024-07-05. Review status: criteria provided, single submitter. Criteria: Ambry Variant Classification Scheme 2023. Collection method: clinical testing. Allele origin: germline.
Comment: The p.K868R variant (also known as c.2603A>G), located in coding exon 16 of the POLQ gene, results from an A to G substitution at nucleotide position 2603. The lysine at codon 868 is replaced by arginine, an amino acid with highly similar properties. This amino acid position is conserved. In addition, this alteration is predicted to be tolerated by in silico analysis. Based on the available evidence, the clinical significance of this variant remains unclear.